The following is an entry in ClinVar:

NM_000218.3(KCNQ1):c.386+15841G>A

Gene: KCNQ1 (potassium voltage-gated channel subfamily Q member 1; plus strand). Cytogenetic location: 11p15.5.
Variant type: single nucleotide variant.
Coding change: c.386+15841G>A on transcript NM_000218.3 (MANE Select); 15841 bases into the intron after coding-DNA position 386, G replaced by A.
Molecular consequence: intron variant.
Genome position (GRCh38, 1-based): chr11:2,461,325, G>A. VCF-style: chr11-2461325-G-A. GRCh37 (hg19) VCF-style: chr11-2482555-G-A.
Identifiers: ClinVar variation 680620 (VCV000680620.1), dbSNP rs2075873, ClinGen allele CA216304942.

ClinVar aggregate classification (germline): Benign (1 of 4 stars; one submission).

Allele frequency attached by ClinVar (database versions not stated): TOPMed 0.08449; gnomAD 0.08934; 1000 Genomes Project 30x 0.15116; 1000 Genomes Project 0.15435.
gnomAD v4.1: 56,903 of 911,560 alleles (6.2%); highest among the groups gnomAD compares: East Asian, 27%; 2,889 homozygotes.

Submission:

GeneDx
Classification: Benign. Last evaluated: 2018-06-14. Review status: criteria provided, single submitter. Criteria: GeneDx Variant Classification (06012015). Collection method: clinical testing. Allele origin: germline. Affected: yes.
Comment: This variant is considered likely benign or benign based on one or more of the following criteria: it is a conservative change, it occurs at a poorly conserved position in the protein, it is predicted to be benign by multiple in silico algorithms, and/or has population frequency not consistent with disease.